The following is an entry in ClinVar:

ClinVar aggregate classification (germline): Conflicting classifications of pathogenicity. Review status: criteria provided, conflicting classifications (1 of 4 stars). 6 submissions from 6 submitters: Uncertain significance (5); Likely benign (1). Last evaluated 2026-01-18.

Conditions:
Hereditary breast ovarian cancer syndrome. Also called: BRCA1- and BRCA2-Associated Hereditary Breast and Ovarian Cancer; Hereditary breast and ovarian cancer syndrome (HBOC); Hereditary breast and ovarian cancer syndrome; Breast and ovarian cancer; Hereditary breast and ovarian cancer; Hereditary breast and/or ovarian cancer syndrome. Identifiers: Orphanet 145, MedGen C0677776, MeSH D061325, MONDO:0003582. Disease mechanism: loss of function.
Breast-ovarian cancer, familial, susceptibility to, 1 (BROVCA1). Also called: OVARIAN CANCER, SUSCEPTIBILITY TO; BRCA1 Hereditary Breast and Ovarian Cancer. Identifiers: Orphanet 145, MedGen C2676676, MONDO:0011450, OMIM 604370. Disease mechanism: loss of function.

Submissions (6):

Labcorp Genetics (formerly Invitae), Labcorp
Classification: Likely benign for Hereditary breast ovarian cancer syndrome. Last evaluated: 2026-01-18. Review status: criteria provided, single submitter. Criteria: Invitae Variant Classification Sherloc (09022015). Collection method: clinical testing. Allele origin: germline.

Dasa
Classification: Uncertain significance for Breast-ovarian cancer, familial, susceptibility to, 1. Last evaluated: 2025-05-22. Review status: criteria provided, single submitter. Criteria: DASA Assertion Criteria. Collection method: clinical testing. Allele origin: germline.
Comment: NM_007294.4(BRCA1):c.5580C>G (p.His1860Gln) is a missense variant that results in the substitution of histidine with glutamine. This variant is absent from population databases. The currently available literature and clinical evidence are not sufficient to establish a definitive association between this variant and the reported condition. Therefore, this variant is classified as a variant of uncertain significance.

Baylor Genetics
Classification: Uncertain significance for Breast-ovarian cancer, familial, susceptibility to, 1. Last evaluated: 2024-03-13. Review status: criteria provided, single submitter. Criteria: ACMG Guidelines, 2015. Collection method: clinical testing. Allele origin: unknown.

GeneDx
Classification: Uncertain significance. Last evaluated: 2022-08-25. Review status: criteria provided, single submitter. Criteria: GeneDx Variant Classification Process June 2021. Collection method: clinical testing. Allele origin: germline. Affected: yes.
Comment: Not observed at significant frequency in large population cohorts (gnomAD); In silico analysis supports that this missense variant does not alter protein structure/function; Has not been previously published as pathogenic or benign to our knowledge; Also known as 5699C>G; This variant is associated with the following publications: (PMID: 25356972, 28726808, 9159119, 9738006, 9811458, 9926942, 9974970, 10196224, 10220405, 11301010, 24389207)

ARUP Laboratories, Molecular Genetics and Genomics, ARUP Laboratories
Classification: Uncertain significance. Last evaluated: 2019-06-23. Review status: criteria provided, single submitter. Criteria: ARUP Molecular Germline Variant Investigation Process. Collection method: clinical testing. Allele origin: germline.
Comment: The BRCA1 c.5580C>G; p.His1860Gln variant has been described in an individual with a family history of pancreatic cancer, but its association with disease was not well defined (Zhen 2015). It is absent from general population databases (Exome Variant Server and Genome Aggregation Database). The histidine at codon 1860 is weakly conserved, and computational algorithms (PolyPhen-2, SIFT) predict that this variant is tolerated. However, due to limited information regarding this variant, its clinical significance cannot be determined with certainty. REFERENCES Zhen D et al. BRCA1, BRCA2, PALB2, and CDKN2A mutations in familial pancreatic cancer: a PACGENE study. Genet Med. 2015 Jul;17(7):569-77.

Mendelics
Classification: Uncertain significance for Breast-ovarian cancer, familial, susceptibility to, 1. Last evaluated: 2019-05-28. Review status: criteria provided, single submitter. Criteria: Mendelics Assertion Criteria 2017. Collection method: clinical testing. Allele origin: unknown.

NM_007294.4(BRCA1):c.5580C>G (p.His1860Gln)

Gene: BRCA1 (BRCA1 DNA repair associated; minus strand). Cytogenetic location: 17q21.31.
Variant type: single nucleotide variant.
Coding change: c.5580C>G on transcript NM_007294.4 (MANE Select); coding-DNA position 5580, C replaced by G.
Protein change: p.His1860Gln; replaces histidine 1860 with glutamine.
Molecular consequence: missense variant. On other transcripts: 3 prime UTR variant (1), non-coding transcript variant (1).
Genome position (GRCh38, 1-based): chr17:43,045,690, G>C on the plus strand (C>G on the coding strand, the complement: BRCA1 is on the minus strand). VCF-style: chr17-43045690-G-C. GRCh37 (hg19) VCF-style: chr17-41197707-G-C.
Other names: c.5367C>G, p.His1789Gln (NM_001407571.1, NM_001407894.1, NM_001407895.1 and 12 more transcripts); c.5646C>G, p.His1882Gln (NM_001407581.1, NM_001407582.1); c.5643C>G, p.His1881Gln (NM_001407583.1, NM_001407585.1, NM_001407587.1 and 1 more transcripts); c.5640C>G, p.His1880Gln (NM_001407590.1, NM_001407591.1); c.5580C>G, p.His1860Gln (NM_001407593.1, NM_001407594.1, NM_001407596.1 and 5 more transcripts); c.5577C>G, p.His1859Gln (NM_001407615.1, NM_001407616.1, NM_001407617.1 and 14 more transcripts); c.5574C>G, p.His1858Gln (NM_001407634.1, NM_001407635.1, NM_001407636.1 and 13 more transcripts); c.5499C>G, p.His1833Gln (NM_001407656.1, NM_001407657.1, NM_001407658.1); and 74 more; short protein forms H1813Q, H756Q, H1860Q, H1881Q, H1706Q, H1770Q, H1792Q, H1818Q.
Identifiers: ClinVar variation 803401 (VCV000803401.22), dbSNP rs1597796507, ClinGen allele CA10590166.